The following is an entry in ClinVar:

NM_001035.3(RYR2):c.12457A>C (p.Ser4153Arg)

Genes: RYR2 (ryanodine receptor 2; plus strand), LOC126806068 (BRD4-independent group 4 enhancer GRCh37_chr1:237947411-237948610; plus strand). Cytogenetic location: 1q43.
Variant type: single nucleotide variant.
Coding change: c.12457A>C on transcript NM_001035.3 (MANE Select); coding-DNA position 12457, A replaced by C.
Protein change: p.Ser4153Arg; replaces serine 4153 with arginine.
Molecular consequence: missense variant.
Genome position (GRCh38, 1-based): chr1:237,784,169, A>C. VCF-style: chr1-237784169-A-C. GRCh37 (hg19) VCF-style: chr1-237947469-A-C.
Other names: short protein forms S4153R.
Identifiers: ClinVar variation 3255050 (VCV003255050.2), dbSNP rs1273246817.

ClinVar aggregate classification (germline): Likely pathogenic (1 of 4 stars; one submission).

Conditions:
Catecholaminergic polymorphic ventricular tachycardia 1. Also called: RYR2-Related Catecholaminergic Polymorphic Ventricular Tachycardia; VENTRICULAR TACHYCARDIA, CATECHOLAMINERGIC POLYMORPHIC, 1, WITH OR WITHOUT ATRIAL DYSFUNCTION AND/OR DILATED CARDIOMYOPATHY; VENTRICULAR TACHYCARDIA, STRESS-INDUCED POLYMORPHIC 1. Identifiers: Orphanet 3286, MedGen C1631597, MONDO:0011484, OMIM 604772.

Allele frequency attached by ClinVar (database versions not stated): gnomAD exomes below 0.00001.
gnomAD v4.1: 2 of 1,614,032 alleles (0.00012%); highest among the groups gnomAD compares: Non-Finnish European, 0.000085%; no homozygotes.

Submission:

Victorian Clinical Genetics Services, Murdoch Childrens Research Institute
Classification: Likely pathogenic for Catecholaminergic polymorphic ventricular tachycardia 1. Last evaluated: 2024-09-22. Review status: criteria provided, single submitter. Criteria: ACMG Guidelines, 2015. Collection method: clinical testing. Allele origin: germline. Inheritance: Autosomal dominant inheritance. Affected: yes.
Comment: Based on the classification scheme VCGS_Germline_v1.3.4, this variant is classified as Likely pathogenic. Following criteria are met: 0103 - Dominant negative and gain of function are known mechanisms of disease in this gene and are associated with catecholaminergic polymorphic ventricular tachycardia 1 (MIM#604772) and left ventricular non-compaction (PMIDs: 12459180, 27646203, 29477366, 31875585, 33500567). Loss of function has been reported for ventricular arrhythmias due to cardiac ryanodine receptor calcium release deficiency syndrome (MIM#115000), however dominant negative mechanism has not been excluded (PMID: 33536282). (I) 0107 - This gene is associated with autosomal dominant disease. (I) 0112 - The condition associated with this gene has incomplete penetrance. Penetrance for CPVT is estimated to be 60-70% (PMID: 23549275). (I) 0200 - Variant is predicted to result in a missense amino acid change from serine to arginine. (I) 0251 - This variant is heterozygous. (I) 0301 - Variant is absent from gnomAD (both v2 and v3). (SP) 0501 - Missense variant consistently predicted to be damaging by multiple in silico tools or highly conserved with a major amino acid change. (SP) 0602 - Variant is located in a hotspot region or cluster of pathogenic variants (PMID: 30696458). (SP) 0710 - Other missense variants comparable to the one identified in this case have inconclusive previous evidence for pathogenicity. An alternative change to isoleucine, p.(Ser4153Ile), has been reported in an individual with CPVT (PMID: 26114861) and also as a VUS by a clinical testing laboratory (ClinVar). Additionally, a change to threonine, p.(Ser4153Thr), has been reported as a VUS by a clinical testing laboratory (ClinVar). (I) 0803 - This variant has limited previous evidence of pathogenicity in an unrelated individual. This variant has been reported in an individual with CPVT (PMID: 21652165). (SP) 0903 - This variant has limited evidence for segregation with disease. This variant is segregating with symptoms of CPVT in several members of a large family. However, some individuals with this variant are asymptomatic but have not had a cardiac assessment or stress test. All individuals without this variant are asymptomatic (VCGS internal data). (SP) 1002 - This variant has moderate functional evidence supporting abnormal protein function. Functional studies using HEK293 cells have demonstrated that this variant results in a gain-of-function and abnormal calcium ion handling (PMID: 23498838). (I) Legend: (SP) - Supporting pathogenic, (I) - Information, (SB) - Supporting benign

Literature cited by the submitters: PubMed 12459180; PubMed 21652165; PubMed 23498838; PubMed 23549275; PubMed 26114861; PubMed 27646203; PubMed 29477366; PubMed 30696458; PubMed 31875585; PubMed 33500567; PubMed 33536282.